The following is an entry in ClinVar:

ClinVar aggregate classification (germline): Uncertain significance. Review status: criteria provided, multiple submitters, no conflicts (2 of 4 stars). 4 submissions from 4 submitters: Uncertain significance (4). Last evaluated 2026-01-14.

Conditions:
Hereditary cancer-predisposing syndrome. Also called: Neoplastic Syndromes, Hereditary; Tumor predisposition; Hereditary neoplastic syndrome; Hereditary Cancer Syndrome. Identifiers: Orphanet 140162, MedGen C0027672, MeSH D009386, MONDO:0015356.
Familial adenomatous polyposis 1 (FAP1). Also called: POLYPOSIS, ADENOMATOUS INTESTINAL; FAMILIAL ADENOMATOUS POLYPOSIS 1, ATTENUATED. Identifiers: MedGen C2713442, MONDO:0021056, OMIM 175100. Disease mechanism: loss of function.

Allele frequency attached by ClinVar (database versions not stated): gnomAD exomes below 0.00001; gnomAD 0.00001; TOPMed 0.00001.
gnomAD v4.1: 3 of 1,610,998 alleles (0.00019%); highest among the groups gnomAD compares: Non-Finnish European, 0.00025%; no homozygotes.

Submissions (4):

Labcorp Genetics (formerly Invitae), Labcorp
Classification: Uncertain significance for Familial adenomatous polyposis 1. Last evaluated: 2026-01-14. Review status: criteria provided, single submitter. Criteria: Invitae Variant Classification Sherloc (09022015). Collection method: clinical testing. Allele origin: germline.
Comment: This sequence change replaces leucine, which is neutral and non-polar, with phenylalanine, which is neutral and non-polar, at codon 540 of the APC protein (p.Leu540Phe). This variant is not present in population databases (gnomAD no frequency). This variant has not been reported in the literature in individuals affected with APC-related conditions. ClinVar contains an entry for this variant (Variation ID: 629353). Invitae Evidence Modeling of protein sequence and biophysical properties (such as structural, functional, and spatial information, amino acid conservation, physicochemical variation, residue mobility, and thermodynamic stability) indicates that this missense variant is not expected to disrupt APC protein function with a negative predictive value of 95%. In summary, the available evidence is currently insufficient to determine the role of this variant in disease. Therefore, it has been classified as a Variant of Uncertain Significance.

Ambry Genetics
Classification: Uncertain significance for Hereditary cancer-predisposing syndrome. Last evaluated: 2025-09-04. Review status: criteria provided, single submitter. Criteria: Ambry Variant Classification Scheme 2023. Collection method: clinical testing. Allele origin: germline.
Comment: The p.L540F variant (also known as c.1620A>C), located in coding exon 12 of the APC gene, results from an A to C substitution at nucleotide position 1620. The leucine at codon 540 is replaced by phenylalanine, an amino acid with highly similar properties. This amino acid position is highly conserved in available vertebrate species. In addition, in silico predictors for this gene do not accurately predict pathogenicity. Since supporting evidence is limited at this time, the clinical significance of this alteration remains unclear.

GeneDx
Classification: Uncertain significance. Last evaluated: 2023-12-30. Review status: criteria provided, single submitter. Criteria: GeneDx Variant Classification Process June 2021. Collection method: clinical testing. Allele origin: germline. Affected: yes.
Comment: Not observed at significant frequency in large population cohorts (gnomAD); In silico analysis supports that this missense variant has a deleterious effect on protein structure/function; Has not been previously published as pathogenic or benign to our knowledge

Color Diagnostics, LLC DBA Color Health
Classification: Uncertain significance for Hereditary cancer-predisposing syndrome. Last evaluated: 2023-12-04. Review status: criteria provided, single submitter. Criteria: ACMG Guidelines, 2015. Collection method: clinical testing. Allele origin: germline.
Comment: This missense variant replaces leucine with phenylalanine at codon 540 of the APC protein. Computational prediction is inconclusive regarding the impact of this variant on protein structure and function (internally defined REVEL score threshold 0.5 < inconclusive < 0.7, PMID: 27666373). To our knowledge, functional studies have not been reported for this variant. This variant has not been reported in individuals affected with APC-related disorders in the literature. This variant has not been identified in the general population by the Genome Aggregation Database (gnomAD). The available evidence is insufficient to determine the role of this variant in disease conclusively. Therefore, this variant is classified as a Variant of Uncertain Significance.

NM_000038.6(APC):c.1620A>C (p.Leu540Phe)

Gene: APC (APC regulator of Wnt signaling pathway; plus strand). Cytogenetic location: 5q22.2.
Variant type: single nucleotide variant.
Coding change: c.1620A>C on transcript NM_000038.6 (MANE Select); coding-DNA position 1620, A replaced by C.
Protein change: p.Leu540Phe; replaces leucine 540 with phenylalanine.
Molecular consequence: missense variant.
Genome position (GRCh38, 1-based): chr5:112,828,000, A>C. VCF-style: chr5-112828000-A-C. GRCh37 (hg19) VCF-style: chr5-112163697-A-C.
Other names: c.1620A>C, p.Leu540Phe (NM_001127510.3, NM_001354895.2); c.1536A>C, p.Leu512Phe (NM_001354899.2); c.1674A>C, p.Leu558Phe (NM_001354896.2); c.1566A>C, p.Leu522Phe (NM_001127511.3); c.1650A>C, p.Leu550Phe (NM_001354897.2); c.1545A>C, p.Leu515Phe (NM_001354898.2); c.1497A>C, p.Leu499Phe (NM_001354900.2); c.1443A>C, p.Leu481Phe (NM_001354901.2); and 5 more; short protein forms L522F, L540F, L414F, L558F, L439F, L380F, L449F, L512F.
Identifiers: ClinVar variation 629353 (VCV000629353.18), dbSNP rs1280077533, ClinGen allele CA16024845.